The following is an entry in ClinVar:

NM_001370785.2(LRRC7):c.2391C>T (p.Pro797=)

Genes: LRRC7 (leucine rich repeat containing 7; plus strand), LRRC7-AS1 (LRRC7 antisense RNA 1; minus strand). Cytogenetic location: 1p31.1.
Variant type: single nucleotide variant.
Coding change: c.2391C>T on transcript NM_001370785.2 (MANE Select); coding-DNA position 2391, C replaced by T.
Protein change: p.Pro797=; no amino-acid change (proline 797 retained).
Molecular consequence: synonymous variant. On other transcripts: non-coding transcript variant (1).
Genome position (GRCh38, 1-based): chr1:70,038,215, C>T. VCF-style: chr1-70038215-C-T. GRCh37 (hg19) VCF-style: chr1-70503898-C-T.
Other names: c.2292C>T, p.Pro764= (NM_001330635.3, NM_001366841.1); c.2394C>T, p.Pro798= (NM_001350216.3); c.2391C>T, p.Pro797= (NM_001366838.3); c.2232C>T, p.Pro744= (NM_001366839.3).
Identifiers: ClinVar variation 3770696 (VCV003770696.13).

ClinVar aggregate classification (germline): Likely benign (1 of 4 stars; one submission).

gnomAD v4.1: 171 of 1,614,018 alleles (0.011%); highest among the groups gnomAD compares: Non-Finnish European, 0.014%; no homozygotes.

Submission:

CeGaT Center for Human Genetics Tuebingen
Classification: Likely benign. Last evaluated: 2025-02-01. Review status: criteria provided, single submitter. Criteria: CeGaT Center For Human Genetics Tuebingen Variant Classification Criteria Version 2. Collection method: clinical testing. Allele origin: germline. Affected: yes. Observed: 1 variant allele.
Comment: LRRC7: BP4, BP7